The following is an entry in ClinVar:

NM_000341.4(SLC3A1):c.1406T>G (p.Leu469Arg)

Gene: SLC3A1 (solute carrier family 3 member 1; plus strand). Cytogenetic location: 2p21.
Variant type: single nucleotide variant.
Coding change: c.1406T>G on transcript NM_000341.4 (MANE Select); coding-DNA position 1406, T replaced by G.
Protein change: p.Leu469Arg; replaces leucine 469 with arginine.
Molecular consequence: missense variant.
Genome position (GRCh38, 1-based): chr2:44,312,659, T>G. VCF-style: chr2-44312659-T-G. GRCh37 (hg19) VCF-style: chr2-44539798-T-G.
Other names: short protein forms L469R.
Identifiers: ClinVar variation 1449425 (VCV001449425.9), dbSNP rs1469809535, ClinGen allele CA346684524.

ClinVar aggregate classification (germline): Uncertain significance. Review status: criteria provided, multiple submitters, no conflicts (2 of 4 stars). 2 submissions from 2 submitters: Uncertain significance (2). Last evaluated 2022-03-07.

Conditions:
Cystinuria (CSNU). Also called: Cystinuria, non-type I; CYSTINURIA, TYPE I; CYSTINURIA, TYPE II; CYSTINURIA, TYPE III. Identifiers: Orphanet 214, MedGen C0010691, MONDO:0009067, OMIM 220100, HP:0003131.

Allele frequency attached by ClinVar (database versions not stated): TOPMed below 0.00001; gnomAD 0.00001; gnomAD exomes 0.00001.

Submissions (2):

Fulgent Genetics
Classification: Uncertain significance for Cystinuria. Last evaluated: 2022-03-07. Review status: criteria provided, single submitter. Criteria: ACMG Guidelines, 2015. Collection method: clinical testing. Allele origin: unknown.

Labcorp Genetics (formerly Invitae), Labcorp
Classification: Uncertain significance for Cystinuria. Last evaluated: 2021-02-02. Review status: criteria provided, single submitter. Criteria: Invitae Variant Classification Sherloc (09022015). Collection method: clinical testing. Allele origin: germline.
Comment: In summary, the available evidence is currently insufficient to determine the role of this variant in disease. Therefore, it has been classified as a Variant of Uncertain Significance. Algorithms developed to predict the effect of missense changes on protein structure and function are either unavailable or do not agree on the potential impact of this missense change (SIFT: "Deleterious"; PolyPhen-2: "Possibly Damaging"; Align-GVGD: "Class C0"). This variant has not been reported in the literature in individuals with SLC3A1-related conditions. This variant is not present in population databases (ExAC no frequency). This sequence change replaces leucine with arginine at codon 469 of the SLC3A1 protein (p.Leu469Arg). The leucine residue is weakly conserved and there is a moderate physicochemical difference between leucine and arginine.